The following is an entry in ClinVar:

ClinVar aggregate classification (germline): Uncertain significance. Review status: criteria provided, multiple submitters, no conflicts (2 of 4 stars). 2 submissions from 2 submitters: Uncertain significance (2). Last evaluated 2025-09-15.

Conditions:
Inborn genetic diseases. Identifiers: MedGen C0950123, MeSH D030342.
Charcot-Marie-Tooth disease type 2. Also called: Charcot-Marie-Tooth type 2. Identifiers: Orphanet 64746, MedGen C0270914, MONDO:0018993.

Allele frequency attached by ClinVar (database versions not stated): gnomAD exomes below 0.00001; TOPMed 0.00001.
gnomAD v4.1: 2 of 1,614,246 alleles (0.00012%); highest among the groups gnomAD compares: Admixed American, 0.0033%; no homozygotes.

Submissions (2):

Labcorp Genetics (formerly Invitae), Labcorp
Classification: Uncertain significance for Charcot-Marie-Tooth disease type 2. Last evaluated: 2025-09-15. Review status: criteria provided, single submitter. Criteria: Invitae Variant Classification Sherloc (09022015). Collection method: clinical testing. Allele origin: germline.
Comment: This sequence change replaces lysine, which is basic and polar, with arginine, which is basic and polar, at codon 730 of the MFN2 protein (p.Lys730Arg). This variant is not present in population databases (gnomAD no frequency). This variant has not been reported in the literature in individuals affected with MFN2-related conditions. ClinVar contains an entry for this variant (Variation ID: 1400193). Invitae Evidence Modeling of protein sequence and biophysical properties (such as structural, functional, and spatial information, amino acid conservation, physicochemical variation, residue mobility, and thermodynamic stability) indicates that this missense variant is not expected to disrupt MFN2 protein function with a negative predictive value of 95%. In summary, the available evidence is currently insufficient to determine the role of this variant in disease. Therefore, it has been classified as a Variant of Uncertain Significance.

Ambry Genetics
Classification: Uncertain significance for Inborn genetic diseases. Last evaluated: 2023-01-13. Review status: criteria provided, single submitter. Criteria: Ambry Variant Classification Scheme 2023. Collection method: clinical testing. Allele origin: germline.

NM_014874.4(MFN2):c.2189A>G (p.Lys730Arg)

Gene: MFN2 (mitofusin 2; plus strand). Cytogenetic location: 1p36.22.
Variant type: single nucleotide variant.
Coding change: c.2189A>G on transcript NM_014874.4 (MANE Select); coding-DNA position 2189, A replaced by G.
Protein change: p.Lys730Arg; replaces lysine 730 with arginine.
Molecular consequence: missense variant.
Genome position (GRCh38, 1-based): chr1:12,009,711, A>G. VCF-style: chr1-12009711-A-G. GRCh37 (hg19) VCF-style: chr1-12069768-A-G.
Other names: c.2189A>G (NM_014874.3); c.2189A>G, p.Lys730Arg (NM_001127660.2); short protein forms K730R.
Identifiers: ClinVar variation 1400193 (VCV001400193.7), dbSNP rs1373071856, ClinGen allele CA338453380.
Genomic context (GRCh38, chr1:12,009,711, plus strand): 5'-TGGAGCAGGAAATTGCCGCCATGAACAAGAAAATTGAGGTTCTTGACTCACTTCAGAGCA[A>G]AGCAAAGCTGCTCAGGTGAGGCTGGCCCGTGTGGCCAAAGGTTAGGGCTCCAGGGTGCAG-3'
Protein context (NP_055689.1, residues 720-740): KIEVLDSLQS[Lys730Arg]AKLLRNKAGW